The following is an entry in ClinVar:

ClinVar aggregate classification (germline): Uncertain significance (1 of 4 stars; one submission).

Allele frequency attached by ClinVar (database versions not stated): ExAC 0.00001; gnomAD 0.00002; TOPMed 0.00002; ESP Exome Variant Server 0.00008.
gnomAD v4.1: 61 of 1,607,380 alleles (0.0038%); highest among the groups gnomAD compares: Non-Finnish European, 0.0051%; no homozygotes.

Submission:

GeneDx
Classification: Uncertain significance. Last evaluated: 2022-02-15. Review status: criteria provided, single submitter. Criteria: GeneDx Variant Classification Process June 2021. Collection method: clinical testing. Allele origin: germline. Affected: yes.
Comment: In silico analysis supports that this variant does not alter splicing; Has not been previously published as pathogenic or benign to our knowledge

NM_017662.5(TRPM6):c.1309-13G>C

Gene: TRPM6 (transient receptor potential cation channel subfamily M member 6; minus strand). Cytogenetic location: 9q21.13.
Variant type: single nucleotide variant.
Coding change: c.1309-13G>C on transcript NM_017662.5 (MANE Select); 13 bases into the intron before coding-DNA position 1309, G replaced by C.
Molecular consequence: intron variant.
Genome position (GRCh38, 1-based): chr9:74,812,446, C>G on the plus strand (G>C on the coding strand, the complement: TRPM6 is on the minus strand). VCF-style: chr9-74812446-C-G. GRCh37 (hg19) VCF-style: chr9-77427362-C-G.
Other names: c.1294-13G>C (NM_001177310.2, NM_001177311.2).
Identifiers: ClinVar variation 1702656 (VCV001702656.2), dbSNP rs370901843, ClinGen allele CA5084865.